The following is an entry in ClinVar:

ClinVar aggregate classification (germline): Uncertain significance. Review status: criteria provided, multiple submitters, no conflicts (2 of 4 stars). 3 submissions from 3 submitters: Uncertain significance (3). Last evaluated 2026-01-18.

Conditions:
Familial cancer of breast. Also called: BREAST CANCER, FAMILIAL; hereditary breast carcinoma; Hereditary breast cancer. Identifiers: Orphanet 227535, MedGen C0346153, MONDO:0016419, OMIM 114480. Disease mechanism: loss of function.
Hereditary cancer-predisposing syndrome. Also called: Tumor predisposition; Hereditary neoplastic syndrome; Hereditary Cancer Syndrome; Neoplastic Syndromes, Hereditary. Identifiers: Orphanet 140162, MedGen C0027672, MeSH D009386, MONDO:0015356.

gnomAD v4.1: 1 of 1,614,048 alleles (0.000062%); highest among the groups gnomAD compares: Non-Finnish European, 0.000085%; no homozygotes.

Submissions (3):

Ambry Genetics
Classification: Uncertain significance for Hereditary cancer-predisposing syndrome. Last evaluated: 2026-01-18. Review status: criteria provided, single submitter. Criteria: Ambry Variant Classification Scheme 2023. Collection method: clinical testing. Allele origin: germline.
Comment: The p.K244T variant (also known as c.731A>C), located in coding exon 5 of the CHEK2 gene, results from an A to C substitution at nucleotide position 731. The lysine at codon 244 is replaced by threonine, an amino acid with similar properties. This amino acid position is conserved. In addition, this alteration is predicted to be tolerated by in silico analysis. Based on the available evidence, the clinical significance of this variant remains unclear.

Labcorp Genetics (formerly Invitae), Labcorp
Classification: Uncertain significance for Familial cancer of breast. Last evaluated: 2022-09-10. Review status: criteria provided, single submitter. Criteria: Invitae Variant Classification Sherloc (09022015). Collection method: clinical testing. Allele origin: germline.
Comment: In summary, the available evidence is currently insufficient to determine the role of this variant in disease. Therefore, it has been classified as a Variant of Uncertain Significance. Algorithms developed to predict the effect of missense changes on protein structure and function are either unavailable or do not agree on the potential impact of this missense change (SIFT: "Deleterious"; PolyPhen-2: "Possibly Damaging"; Align-GVGD: "Class C0"). ClinVar contains an entry for this variant (Variation ID: 216650). This variant has not been reported in the literature in individuals affected with CHEK2-related conditions. This variant is not present in population databases (gnomAD no frequency). This sequence change replaces lysine, which is basic and polar, with threonine, which is neutral and polar, at codon 244 of the CHEK2 protein (p.Lys244Thr).

GeneDx
Classification: Uncertain significance. Last evaluated: 2021-12-28. Review status: criteria provided, single submitter. Criteria: GeneDx Variant Classification Process June 2021. Collection method: clinical testing. Allele origin: germline. Affected: yes.
Comment: Not observed at significant frequency in large population cohorts (gnomAD); In silico analysis supports that this missense variant has a deleterious effect on protein structure/function; Has not been previously published as pathogenic or benign to our knowledge; This variant is associated with the following publications: (PMID: 22419737, 19782031)

NM_007194.4(CHEK2):c.731A>C (p.Lys244Thr)

Gene: CHEK2 (checkpoint kinase 2; minus strand). Cytogenetic location: 22q12.1.
Variant type: single nucleotide variant.
Coding change: c.731A>C on transcript NM_007194.4 (MANE Select); coding-DNA position 731, A replaced by C.
Protein change: p.Lys244Thr; replaces lysine 244 with threonine.
Molecular consequence: missense variant.
Genome position (GRCh38, 1-based): chr22:28,711,970, T>G on the plus strand (A>C on the coding strand, the complement: CHEK2 is on the minus strand). VCF-style: chr22-28711970-T-G. GRCh37 (hg19) VCF-style: chr22-29107958-T-G.
Other names: c.731A>C, p.Lys244Thr (NM_145862.3); c.860A>C, p.Lys287Thr (NM_001005735.3); c.68A>C, p.Lys23Thr (NM_001257387.3); c.530A>C, p.Lys177Thr (NM_001349956.3); short protein forms K244T, K287T, K177T, K23T.
Identifiers: ClinVar variation 216650 (VCV000216650.12), dbSNP rs587778193, ClinGen allele CA336226.